The following is an entry in ClinVar:

ClinVar aggregate classification (germline): Pathogenic (1 of 4 stars; one submission).

Conditions:
Cardiovascular phenotype. Identifiers: MedGen CN230736.
Hereditary cancer-predisposing syndrome. Also called: Tumor predisposition; Neoplastic Syndromes, Hereditary; Hereditary Cancer Syndrome; Hereditary neoplastic syndrome. Identifiers: Orphanet 140162, MedGen C0027672, MeSH D009386, MONDO:0015356.

Submission:

Ambry Genetics
Classification: Pathogenic for Cardiovascular phenotype; Hereditary cancer-predisposing syndrome. Last evaluated: 2024-12-11. Review status: criteria provided, single submitter. Criteria: Ambry Variant Classification Scheme 2023. Collection method: clinical testing. Allele origin: germline.
Comment: The c.4123delC variant, located in coding exon 31 of the NF1 gene, results from a deletion of one nucleotide at nucleotide position 4123, causing a translational frameshift with a predicted alternate stop codon (p.R1375Vfs*10). This variant is considered to be rare based on population cohorts in the Genome Aggregation Database (gnomAD). This alteration is expected to result in loss of function by premature protein truncation or nonsense-mediated mRNA decay. As such, this alteration is interpreted as a disease-causing mutation.

NM_001042492.3(NF1):c.4186del (p.Arg1396fs)

Gene: NF1 (neurofibromin 1; plus strand). Cytogenetic location: 17q11.2.
Variant type: Deletion.
Coding change: c.4186del on transcript NM_001042492.3 (MANE Select); coding-DNA position 4186, one base deleted (C; older notation c.4186delC).
Protein change: p.Arg1396fs; shifts the reading frame from arginine 1396.
Molecular consequence: frameshift variant.
Genome position (GRCh38, 1-based): chr17:31,258,356, C deleted. VCF-style (leftmost placement, unchanged base first): chr17-31258355-GC-G. GRCh37 (hg19) VCF-style: chr17-29585373-GC-G.
Other names: c.4123delC, p.Arg1375Valfs (NM_000267.4); c.4123delC (NM_000267.3); short protein forms R1375fs, R1396fs.
Identifiers: ClinVar variation 3878984 (VCV003878984.1).